The following is an entry in ClinVar:

NM_001042492.3(NF1):c.292C>T (p.Pro98Ser)

Gene: NF1 (neurofibromin 1; plus strand). Cytogenetic location: 17q11.2.
Variant type: single nucleotide variant.
Coding change: c.292C>T on transcript NM_001042492.3 (MANE Select); coding-DNA position 292, C replaced by T.
Protein change: p.Pro98Ser; replaces proline 98 with serine.
Molecular consequence: missense variant.
Genome position (GRCh38, 1-based): chr17:31,163,189, C>T. VCF-style: chr17-31163189-C-T. GRCh37 (hg19) VCF-style: chr17-29490207-C-T.
Other names: c.292C>T, p.Pro98Ser (NM_000267.4, NM_001128147.3); short protein forms P98S.
Identifiers: ClinVar variation 4119157 (VCV004119157.1).

ClinVar aggregate classification (germline): Uncertain significance (1 of 4 stars; one submission).

Conditions:
Cardiovascular phenotype. Identifiers: MedGen CN230736.
Hereditary cancer-predisposing syndrome. Also called: Hereditary neoplastic syndrome; Neoplastic Syndromes, Hereditary; Tumor predisposition; Hereditary Cancer Syndrome. Identifiers: Orphanet 140162, MedGen C0027672, MeSH D009386, MONDO:0015356.

Submission:

Ambry Genetics
Classification: Uncertain significance for Cardiovascular phenotype; Hereditary cancer-predisposing syndrome. Last evaluated: 2025-08-22. Review status: criteria provided, single submitter. Criteria: Ambry Variant Classification Scheme 2023. Collection method: clinical testing. Allele origin: germline.
Comment: The p.P98S variant (also known as c.292C>T), located in coding exon 4 of the NF1 gene, results from a C to T substitution at nucleotide position 292. The proline at codon 98 is replaced by serine, an amino acid with similar properties. This amino acid position is conserved. In addition, this alteration is predicted to be tolerated by in silico analysis. Based on the available evidence, the clinical significance of this variant remains unclear.